The following is an entry in ClinVar:

NM_144736.5(NDUFAF7):c.815T>C (p.Val272Ala)

Gene: NDUFAF7 (NADH:ubiquinone oxidoreductase complex assembly factor 7; plus strand). Cytogenetic location: 2p22.2.
Variant type: single nucleotide variant.
Coding change: c.815T>C on transcript NM_144736.5 (MANE Select); coding-DNA position 815, T replaced by C.
Protein change: p.Val272Ala; replaces valine 272 with alanine.
Molecular consequence: missense variant. On other transcripts: non-coding transcript variant (10).
Genome position (GRCh38, 1-based): chr2:37,246,074, T>C. VCF-style: chr2-37246074-T-C. GRCh37 (hg19) VCF-style: chr2-37473217-T-C.
Other names: c.521T>C, p.Val174Ala (NM_001083946.2); c.815T>C, p.Val272Ala (NM_001350024.2); c.734T>C, p.Val245Ala (NM_001350025.2); c.602T>C, p.Val201Ala (NM_001350027.2); short protein forms V272A, V174A, V245A, V201A.
Identifiers: ClinVar variation 214760 (VCV000214760.2), dbSNP rs769640890, ClinGen allele CA322103.

ClinVar aggregate classification (germline): Uncertain significance (1 of 4 stars; one submission).

Allele frequency attached by ClinVar (database versions not stated): gnomAD exomes 0.00001; ExAC 0.00002.
gnomAD v4.1: 16 of 1,613,932 alleles (0.00099%); highest among the groups gnomAD compares: South Asian, 0.0022%; no homozygotes.

Submission:

GeneDx
Classification: Uncertain significance. Last evaluated: 2014-08-12. Review status: criteria provided, single submitter. Criteria: GeneDx Variant Classification (06012015). Collection method: clinical testing. Allele origin: germline. Affected: yes.
Comment: p.Val272Ala (GTT>GCT): c.815 T>C in exon 8 of the NDUFAF7 gene (NM_144736.4) The V272A variant has not been published as a mutation, nor has it been reported as a benign polymorphism to our knowledge. The V272A variant is a conservative amino acid substitution, which is not likely to impact secondary protein structure as these residues share similar properties. This substitution occurs at a position where amino acids with similar properties as Valine are conserved across species. In silico analysis predicts this variant likely does not alter the protein structure/function. Therefore, based on the currently available information, it is unclear whether this variant is a pathogenic mutation or a rare benign variant. The variant is found in MITONUC-MITOP panel(s).